The following is an entry in ClinVar:

NM_000426.4(LAMA2):c.5578C>T (p.Gln1860Ter)

Gene: LAMA2 (laminin subunit alpha 2; plus strand). Cytogenetic location: 6q22.33.
Variant type: single nucleotide variant.
Coding change: c.5578C>T on transcript NM_000426.4 (MANE Select); coding-DNA position 5578, C replaced by T.
Protein change: p.Gln1860Ter; replaces glutamine 1860 with a stop codon.
Molecular consequence: nonsense.
Genome position (GRCh38, 1-based): chr6:129,402,339, C>T. VCF-style: chr6-129402339-C-T. GRCh37 (hg19) VCF-style: chr6-129723484-C-T.
Other names: c.5578C>T, p.Gln1860Ter (NM_001079823.2); short protein forms Q1860*.
Identifiers: ClinVar variation 984207 (VCV000984207.4), dbSNP rs1165626901, ClinGen allele CA365616041.

ClinVar aggregate classification (germline): Likely pathogenic (1 of 4 stars; one submission).

Conditions:
LAMA2-related muscular dystrophy (LAMA2-RD). Also called: Laminin alpha 2-related dystrophy. Identifiers: MedGen C5679788, MONDO:0100228.

gnomAD v4.1: 1 of 1,613,558 alleles (0.000062%); highest among the groups gnomAD compares: Non-Finnish European, 0.000085%; no homozygotes.

Submission:

Myriad Genetics, Inc.
Classification: Likely pathogenic for LAMA2-related muscular dystrophy. Last evaluated: 2019-07-18. Review status: criteria provided, single submitter. Criteria: Myriad Autosomal Dominant, Autosomal Recessive and X-Linked Classification Criteria (2023). Collection method: clinical testing. Allele origin: unknown.
Comment: NM_000426.3(LAMA2):c.5578C>T(Q1860*) is expected to be pathogenic in the context of LAMA2-related muscular dystrophy. This variant is predicted to lead to an abnormal or absent protein product due to the creation of a premature termination codon in LAMA2, a gene where loss-of-function variants are known to be pathogenic. Please note: this variant was assessed in the context of healthy population screening.